The following is an entry in ClinVar:

ClinVar aggregate classification (germline): Uncertain significance (1 of 4 stars; one submission).

Submission:

Labcorp Genetics (formerly Invitae), Labcorp
Classification: Uncertain significance. Last evaluated: 2022-01-21. Review status: criteria provided, single submitter. Criteria: Invitae Variant Classification Sherloc (09022015). Collection method: clinical testing. Allele origin: germline.
Comment: This sequence change replaces glycine, which is neutral and non-polar, with valine, which is neutral and non-polar, at codon 127 of the DENND5A protein (p.Gly127Val). This variant is not present in population databases (gnomAD no frequency). This variant has not been reported in the literature in individuals affected with DENND5A-related conditions. Algorithms developed to predict the effect of missense changes on protein structure and function (SIFT, PolyPhen-2, Align-GVGD) all suggest that this variant is likely to be disruptive. In summary, the available evidence is currently insufficient to determine the role of this variant in disease. Therefore, it has been classified as a Variant of Uncertain Significance.

NM_015213.4(DENND5A):c.380G>T (p.Gly127Val)

Gene: DENND5A (DENN domain containing 5A; minus strand). Cytogenetic location: 11p15.4.
Variant type: single nucleotide variant.
Coding change: c.380G>T on transcript NM_015213.4 (MANE Select); coding-DNA position 380, G replaced by T.
Protein change: p.Gly127Val; replaces glycine 127 with valine.
Molecular consequence: missense variant. On other transcripts: non-coding transcript variant (1).
Genome position (GRCh38, 1-based): chr11:9,204,229, C>A on the plus strand (G>T on the coding strand, the complement: DENND5A is on the minus strand). VCF-style: chr11-9204229-C-A. GRCh37 (hg19) VCF-style: chr11-9225776-C-A.
Other names: c.380G>T, p.Gly127Val (NM_001243254.2, NM_001348748.1); c.308G>T, p.Gly103Val (NM_001348749.2); c.92G>T, p.Gly31Val (NM_001348750.2); short protein forms G127V, G31V, G103V.
Identifiers: ClinVar variation 2088857 (VCV002088857.4), dbSNP rs2493909727, ClinGen allele CA379600223.